The following is an entry in ClinVar:

NM_000540.3(RYR1):c.6342C>T (p.Pro2114=)

Gene: RYR1 (ryanodine receptor 1; plus strand). Cytogenetic location: 19q13.2.
Variant type: single nucleotide variant.
Coding change: c.6342C>T on transcript NM_000540.3 (MANE Select); coding-DNA position 6342, C replaced by T.
Protein change: p.Pro2114=; no amino-acid change (proline 2114 retained).
Molecular consequence: synonymous variant.
Genome position (GRCh38, 1-based): chr19:38,494,419, C>T. VCF-style: chr19-38494419-C-T. GRCh37 (hg19) VCF-style: chr19-38985059-C-T.
Other names: c.6342C>T, p.Pro2114= (NM_001042723.2).
Identifiers: ClinVar variation 2978509 (VCV002978509.6), dbSNP rs765323533, ClinGen allele CA068138.

ClinVar aggregate classification (germline): Likely benign. Review status: criteria provided, multiple submitters, no conflicts (2 of 4 stars). 3 submissions from 3 submitters: Likely benign (3). Last evaluated 2025-11-04.

Conditions:
RYR1-related disorder. Also called: RYR1-related condition; RYR1-related disorders. Identifiers: MedGen CN239331.
Malignant hyperthermia, susceptibility to, 1 (MHS1). Also called: Anesthesia related hyperthermia; Malignant hyperpyrexia; Fulminating hyperpyrexia; Pharmacogenic myopathy; RYR1-Related Malignant Hyperthermia Susceptibility; Malignant hyperthermia suceptibility 1. Identifiers: Orphanet 423, MedGen C2930980, MONDO:0007783, OMIM 145600.

Allele frequency attached by ClinVar (database versions not stated): gnomAD exomes 0.00001; TOPMed 0.00001.
gnomAD v4.1: 10 of 1,612,156 alleles (0.00062%); highest among the groups gnomAD compares: African/African-American, 0.004%; no homozygotes.

Submissions (3):

PreventionGenetics, part of Exact Sciences
Classification: Likely benign for RYR1-related condition. Last evaluated: 2025-11-04. Review status: criteria provided, single submitter. Criteria: ACMG Guidelines, 2015. Collection method: clinical testing. Allele origin: germline.
Comment: This variant is classified as likely benign based on ACMG/AMP sequence variant interpretation guidelines (Richards et al. 2015 PMID: 25741868, with internal and published modifications).

Labcorp Genetics (formerly Invitae), Labcorp
Classification: Likely benign for RYR1-related disorder. Last evaluated: 2024-09-19. Review status: criteria provided, single submitter. Criteria: Invitae Variant Classification Sherloc (09022015). Collection method: clinical testing. Allele origin: germline.

All of Us Research Program, National Institutes of Health
Classification: Likely benign for Malignant hyperthermia, susceptibility to, 1. Last evaluated: 2024-08-13. Review status: criteria provided, single submitter. Criteria: ACMG Guidelines, 2015. Collection method: clinical testing. Allele origin: germline. Inheritance: Autosomal dominant inheritance. Observed: 3 variant alleles, 3 heterozygotes.
Comment: This study involves interpretation of variants in research participants for the purpose of population health screening. Participant phenotype was not available at the time of variant classification. Additional details can be found in publication PMID: 35346344, PMCID: PMC8962531